The following is an entry in ClinVar:

NM_015559.3(SETBP1):c.145C>T (p.Pro49Ser)

Gene: SETBP1 (SET binding protein 1; plus strand). Cytogenetic location: 18q12.3.
Variant type: single nucleotide variant.
Coding change: c.145C>T on transcript NM_015559.3 (MANE Select); coding-DNA position 145, C replaced by T.
Protein change: p.Pro49Ser; replaces proline 49 with serine.
Molecular consequence: missense variant.
Genome position (GRCh38, 1-based): chr18:44,701,491, C>T. VCF-style: chr18-44701491-C-T. GRCh37 (hg19) VCF-style: chr18-42281456-C-T.
Other names: c.145C>T, p.Pro49Ser (NM_001130110.2, NM_001379141.1, NM_001379142.1 and 1 more transcripts); short protein forms P49S.
Identifiers: ClinVar variation 3678029 (VCV003678029.2).

ClinVar aggregate classification (germline): Uncertain significance (1 of 4 stars; one submission).

Submission:

Labcorp Genetics (formerly Invitae), Labcorp
Classification: Uncertain significance. Last evaluated: 2024-09-21. Review status: criteria provided, single submitter. Criteria: Invitae Variant Classification Sherloc (09022015). Collection method: clinical testing. Allele origin: germline.
Comment: This sequence change replaces proline, which is neutral and non-polar, with serine, which is neutral and polar, at codon 49 of the SETBP1 protein (p.Pro49Ser). This variant is not present in population databases (gnomAD no frequency). This variant has not been reported in the literature in individuals affected with SETBP1-related conditions. An algorithm developed to predict the effect of missense changes on protein structure and function outputs the following: PolyPhen-2: "Benign". The serine amino acid residue is found in multiple mammalian species, which suggests that this missense change does not adversely affect protein function. In summary, the available evidence is currently insufficient to determine the role of this variant in disease. Therefore, it has been classified as a Variant of Uncertain Significance.